The following is an entry in ClinVar:

ClinVar aggregate classification (germline): Benign/Likely benign. Review status: criteria provided, multiple submitters, no conflicts (2 of 4 stars). 5 submissions from 5 submitters: Benign (1); Likely benign (4). Last evaluated 2025-06-22.

Conditions:
Lynch syndrome 5 (LYNCH5). Also called: Colorectal cancer, hereditary nonpolyposis, type 5; Hereditary non-polyposis colorectal cancer, type 5. Identifiers: Orphanet 144, MedGen C1833477, MONDO:0013710, OMIM 614350. Disease mechanism: loss of function.
Hereditary nonpolyposis colorectal neoplasms. Identifiers: MedGen C0009405, MeSH D003123.
Hereditary cancer-predisposing syndrome. Also called: Neoplastic Syndromes, Hereditary; Tumor predisposition; Hereditary Cancer Syndrome; Hereditary neoplastic syndrome. Identifiers: Orphanet 140162, MedGen C0027672, MeSH D009386, MONDO:0015356.
Lynch syndrome. Identifiers: Orphanet 144, MedGen C4552100, MONDO:0005835. Disease mechanism: loss of function.

Submissions (5):

Labcorp Genetics (formerly Invitae), Labcorp
Classification: Likely benign for Hereditary nonpolyposis colorectal neoplasms. Last evaluated: 2025-06-22. Review status: criteria provided, single submitter. Criteria: Invitae Variant Classification Sherloc (09022015). Collection method: clinical testing. Allele origin: germline.

Myriad Genetics, Inc.
Classification: Benign for Lynch syndrome 5. Last evaluated: 2024-12-17. Review status: criteria provided, single submitter. Criteria: Myriad Autosomal Dominant, Autosomal Recessive and X-Linked Classification Criteria (2023). Collection method: clinical testing. Allele origin: unknown.
Comment: This variant is considered benign. This variant is a silent/synonymous amino acid change and it is not expected to impact splicing.

All of Us Research Program, National Institutes of Health
Classification: Likely benign for Lynch syndrome. Last evaluated: 2023-11-28. Review status: criteria provided, single submitter. Criteria: ACMG Guidelines, 2015. Collection method: clinical testing. Allele origin: germline. Inheritance: Autosomal dominant inheritance. Observed: 1 variant allele, 1 heterozygote.
Comment: This study involves interpretation of variants in research participants for the purpose of population health screening. Participant phenotype was not available at the time of variant classification. Additional details can be found in publication PMID: 35346344, PMCID: PMC8962531

Ambry Genetics
Classification: Likely benign for Hereditary cancer-predisposing syndrome. Last evaluated: 2022-04-27. Review status: criteria provided, single submitter. Criteria: Ambry Variant Classification Scheme 2023. Collection method: clinical testing. Allele origin: germline.

Color Diagnostics, LLC DBA Color Health
Classification: Likely benign for Hereditary cancer-predisposing syndrome. Last evaluated: 2019-05-22. Review status: criteria provided, single submitter. Criteria: ACMG Guidelines, 2015. Collection method: clinical testing. Allele origin: germline.

NM_000179.3(MSH6):c.240A>T (p.Val80=)

Gene: MSH6 (mutS homolog 6; plus strand). Cytogenetic location: 2p16.3.
Variant type: single nucleotide variant.
Coding change: c.240A>T on transcript NM_000179.3 (MANE Select); coding-DNA position 240, A replaced by T.
Protein change: p.Val80=; no amino-acid change (valine 80 retained).
Molecular consequence: synonymous variant. On other transcripts: 5 prime UTR variant (1), intron variant (1).
Genome position (GRCh38, 1-based): chr2:47,783,473, A>T. VCF-style: chr2-47783473-A-T. GRCh37 (hg19) VCF-style: chr2-48010612-A-T.
Other names: c.-497A>T (NM_001281493.2); c.237+3A>T (NM_001281492.2).
Identifiers: ClinVar variation 925349 (VCV000925349.15), dbSNP rs864622281, ClinGen allele CA426120867.